The following is an entry in ClinVar:

NM_000051.4(ATM):c.1867G>A (p.Ala623Thr)

Gene: ATM (ATM serine/threonine kinase; plus strand). Cytogenetic location: 11q22.3.
Variant type: single nucleotide variant.
Coding change: c.1867G>A on transcript NM_000051.4 (MANE Select); coding-DNA position 1867, G replaced by A.
Protein change: p.Ala623Thr; replaces alanine 623 with threonine.
Molecular consequence: missense variant.
Genome position (GRCh38, 1-based): chr11:108,252,881, G>A. VCF-style: chr11-108252881-G-A. GRCh37 (hg19) VCF-style: chr11-108123608-G-A.
Other names: c.1867G>A, p.Ala623Thr (NM_001351834.2); short protein forms A623T.
Identifiers: ClinVar variation 4866414 (VCV004866414.1).

ClinVar aggregate classification (germline): Uncertain significance (1 of 4 stars; one submission).

Conditions:
Hereditary cancer-predisposing syndrome. Also called: Neoplastic Syndromes, Hereditary; Tumor predisposition; Hereditary Cancer Syndrome; Hereditary neoplastic syndrome. Identifiers: Orphanet 140162, MedGen C0027672, MeSH D009386, MONDO:0015356.

Submission:

Ambry Genetics
Classification: Uncertain significance for Hereditary cancer-predisposing syndrome. Last evaluated: 2026-04-23. Review status: criteria provided, single submitter. Criteria: Ambry Variant Classification Scheme 2023. Collection method: clinical testing. Allele origin: germline.
Comment: The p.A623T variant (also known as c.1867G>A), located in coding exon 11 of the ATM gene, results from a G to A substitution at nucleotide position 1867. The alanine at codon 623 is replaced by threonine, an amino acid with similar properties. This amino acid position is well conserved in available vertebrate species. In addition, this alteration is predicted to be tolerated by in silico analysis. Based on the available evidence, the clinical significance of this variant remains unclear.